The following is an entry in ClinVar:

ClinVar aggregate classification (germline): Likely pathogenic (1 of 4 stars; one submission).

Conditions:
Myopathy, tubular aggregate, 1 (TAM1). Identifiers: MedGen C4011726, MONDO:0024531, OMIM 160565.

Submission:

Laboratory of Medical Genetics, National & Kapodistrian University of Athens
Classification: Likely pathogenic for Myopathy, tubular aggregate, 1. Last evaluated: 2024-02-28. Review status: criteria provided, single submitter. Criteria: ACMG Guidelines, 2015. Collection method: clinical testing. Allele origin: germline. Affected: yes.
Comment: PM1, PM2, PM5, PP3 - Absent from gnomAD. In silico prediction tools estimated that the variant could be damaging for the protein function/stracture.

NM_001382567.1(STIM1):c.344T>C (p.Ile115Thr)

Gene: STIM1 (stromal interaction molecule 1; plus strand). Cytogenetic location: 11p15.4.
Variant type: single nucleotide variant.
Coding change: c.344T>C on transcript NM_001382567.1 (MANE Select); coding-DNA position 344, T replaced by C.
Protein change: p.Ile115Thr; replaces isoleucine 115 with threonine.
Molecular consequence: missense variant. On other transcripts: 5 prime UTR variant (3), non-coding transcript variant (3).
Genome position (GRCh38, 1-based): chr11:4,023,946, T>C. VCF-style: chr11-4023946-T-C. GRCh37 (hg19) VCF-style: chr11-4045176-T-C.
Other names: c.122T>C, p.Ile41Thr (NM_001382577.1, NM_001382578.1, NM_001382579.1 and 5 more transcripts); c.-146T>C (NM_001382580.1, NM_001382581.1); c.344T>C, p.Ile115Thr (NM_003156.4, NM_001277961.3, NM_001277962.2 and 3 more transcripts); c.209T>C, p.Ile70Thr (NM_001382569.1); c.-25T>C (NM_001382571.1); short protein forms I115T, I41T, I70T.
Identifiers: ClinVar variation 3256588 (VCV003256588.1).